The following is an entry in ClinVar:

NM_001370466.1(NOD2):c.266C>T (p.Ser89Phe)

Gene: NOD2 (nucleotide binding oligomerization domain containing 2; plus strand). Cytogenetic location: 16q12.1.
Variant type: single nucleotide variant.
Coding change: c.266C>T on transcript NM_001370466.1 (MANE Select); coding-DNA position 266, C replaced by T.
Protein change: p.Ser89Phe; replaces serine 89 with phenylalanine.
Molecular consequence: missense variant. On other transcripts: non-coding transcript variant (1).
Genome position (GRCh38, 1-based): chr16:50,699,761, C>T. VCF-style: chr16-50699761-C-T. GRCh37 (hg19) VCF-style: chr16-50733672-C-T.
Other names: c.266C>T, p.Ser89Phe (NM_001293557.2); c.347C>T, p.Ser116Phe (NM_022162.3); short protein forms S116F, S89F.
Identifiers: ClinVar variation 4794120 (VCV004794120.1).

ClinVar aggregate classification (germline): Uncertain significance (1 of 4 stars; one submission).

Conditions:
Blau syndrome (BLAUS). Also called: GRANULOMATOSIS, FAMILIAL JUVENILE SYSTEMIC; GRANULOMATOSIS, FAMILIAL, BLAU TYPE; GRANULOMATOUS INFLAMMATORY ARTHRITIS, DERMATITIS, AND UVEITIS, FAMILIAL; JABS SYNDROME; ARTHROCUTANEOUVEAL GRANULOMATOSIS. Identifiers: Orphanet 90340, MedGen C5201146, MONDO:0008523, OMIM 186580.
Regional enteritis. Also called: Enteritis, Granulomatous. Identifiers: MedGen C0678202, MeSH D003424.

gnomAD v4.1: 1 of 1,613,942 alleles (0.000062%); highest among the groups gnomAD compares: East Asian, 0.0022%; no homozygotes.

Submission:

Labcorp Genetics (formerly Invitae), Labcorp
Classification: Uncertain significance for Regional enteritis; Blau syndrome. Last evaluated: 2025-04-08. Review status: criteria provided, single submitter. Criteria: Invitae Variant Classification Sherloc (09022015). Collection method: clinical testing. Allele origin: germline.
Comment: This sequence change replaces serine, which is neutral and polar, with phenylalanine, which is neutral and non-polar, at codon 116 of the NOD2 protein (p.Ser116Phe). This variant is not present in population databases (gnomAD no frequency). This variant has not been reported in the literature in individuals affected with NOD2-related conditions. Invitae Evidence Modeling of protein sequence and biophysical properties (such as structural, functional, and spatial information, amino acid conservation, physicochemical variation, residue mobility, and thermodynamic stability) indicates that this missense variant is not expected to disrupt NOD2 protein function with a negative predictive value of 95%. In summary, the available evidence is currently insufficient to determine the role of this variant in disease. Therefore, it has been classified as a Variant of Uncertain Significance.